The following is an entry in ClinVar:

ClinVar aggregate classification (germline): Uncertain significance (1 of 4 stars; one submission).

Submission:

Labcorp Genetics (formerly Invitae), Labcorp
Classification: Uncertain significance. Last evaluated: 2025-12-01. Review status: criteria provided, single submitter. Criteria: Invitae Variant Classification Sherloc (09022015). Collection method: clinical testing. Allele origin: germline.
Comment: This sequence change replaces histidine, which is basic and polar, with glutamine, which is neutral and polar, at codon 88 of the PIEZO2 protein (p.His88Gln). This variant is not present in population databases (gnomAD no frequency). This variant has not been reported in the literature in individuals affected with PIEZO2-related conditions. Invitae Evidence Modeling of protein sequence and biophysical properties (such as structural, functional, and spatial information, amino acid conservation, physicochemical variation, residue mobility, and thermodynamic stability) indicates that this missense variant is not expected to disrupt PIEZO2 protein function with a negative predictive value of 95%. In summary, the available evidence is currently insufficient to determine the role of this variant in disease. Therefore, it has been classified as a Variant of Uncertain Significance.

NM_001378183.1(PIEZO2):c.264T>A (p.His88Gln)

Gene: PIEZO2 (piezo type mechanosensitive ion channel component 2; minus strand). Cytogenetic location: 18p11.21.
Variant type: single nucleotide variant.
Coding change: c.264T>A on transcript NM_001378183.1 (MANE Select); coding-DNA position 264, T replaced by A.
Protein change: p.His88Gln; replaces histidine 88 with glutamine.
Molecular consequence: missense variant.
Genome position (GRCh38, 1-based): chr18:10,979,557, A>T on the plus strand (T>A on the coding strand, the complement: PIEZO2 is on the minus strand). VCF-style: chr18-10979557-A-T. GRCh37 (hg19) VCF-style: chr18-10979555-A-T.
Other names: c.264T>A, p.His88Gln (NM_001410871.1, NM_022068.4); short protein forms H88Q.
Identifiers: ClinVar variation 4802992 (VCV004802992.1).